The following is an entry in ClinVar:

NM_001351132.2(PEX5):c.48G>C (p.Pro16=)

Gene: PEX5 (peroxisomal biogenesis factor 5; plus strand). Cytogenetic location: 12p13.31.
Variant type: single nucleotide variant.
Coding change: c.48G>C on transcript NM_001351132.2 (MANE Select); coding-DNA position 48, G replaced by C.
Protein change: p.Pro16=; no amino-acid change (proline 16 retained).
Molecular consequence: synonymous variant.
Genome position (GRCh38, 1-based): chr12:7,190,425, G>C. VCF-style: chr12-7190425-G-C. GRCh37 (hg19) VCF-style: chr12-7343021-G-C.
Other names: c.48G>C, p.Pro16= (NM_000319.5, NM_001131023.2, NM_001131024.2 and 22 more transcripts).
Identifiers: ClinVar variation 883930 (VCV000883930.14), dbSNP rs147958315, ClinGen allele CA6425981.

ClinVar aggregate classification (germline): Conflicting classifications of pathogenicity. Review status: criteria provided, conflicting classifications (1 of 4 stars). 4 submissions from 4 submitters: Uncertain significance (1); Likely benign (2). 1 of the submissions does not count toward it. Last evaluated 2025-09-04.

Conditions:
Peroxisome biogenesis disorder 2A (Zellweger) (PBD2A). Also called: Cerebrohepatorenal syndrome, variant types. Identifiers: Orphanet 912, MedGen C3550273, MONDO:0008954, OMIM 214110.
PEX5-related disorder. Also called: PEX5-related condition; PEX5-Related Disorders.
Peroxisome biogenesis disorder 2B (PBD2B). Identifiers: Orphanet 44, MedGen C3550234, MONDO:0008736, OMIM 202370.

Allele frequency attached by ClinVar (database versions not stated): TOPMed 0.00007.
gnomAD v4.1: 19 of 1,614,102 alleles (0.0012%); highest among the groups gnomAD compares: African/African-American, 0.024%; no homozygotes.

Submissions (4):

Labcorp Genetics (formerly Invitae), Labcorp
Classification: Likely benign for Peroxisome biogenesis disorder 2B. Last evaluated: 2025-09-04. Review status: criteria provided, single submitter. Criteria: Invitae Variant Classification Sherloc (09022015). Collection method: clinical testing. Allele origin: germline.

Blueprint Genetics
Classification: Likely benign. Last evaluated: 2018-06-19. Review status: criteria provided, single submitter. Criteria: ACMG Guidelines, 2015. Collection method: clinical testing. Allele origin: germline.

Illumina Laboratory Services, Illumina
Classification: Uncertain significance for Peroxisome biogenesis disorder 2A (Zellweger). Last evaluated: 2018-01-13. Review status: criteria provided, single submitter. Criteria: ICSL Variant Classification Criteria 13 December 2019. Collection method: clinical testing. Allele origin: germline.

PreventionGenetics, part of Exact Sciences
Classification: Likely benign for PEX5-related condition. Last evaluated: 2021-07-27. Review status: no assertion criteria provided. Collection method: clinical testing. Allele origin: germline. Not counted in ClinVar's aggregate classification.
Comment: This variant is classified as likely benign based on ACMG/AMP sequence variant interpretation guidelines (Richards et al. 2015 PMID: 25741868, with internal and published modifications).